The following is an entry in ClinVar:

NM_004984.4(KIF5A):c.1896C>T (p.Leu632=)

Gene: KIF5A (kinesin family member 5A; plus strand). Cytogenetic location: 12q13.3.
Variant type: single nucleotide variant.
Coding change: c.1896C>T on transcript NM_004984.4 (MANE Select); coding-DNA position 1896, C replaced by T.
Protein change: p.Leu632=; no amino-acid change (leucine 632 retained).
Molecular consequence: synonymous variant.
Genome position (GRCh38, 1-based): chr12:57,575,263, C>T. VCF-style: chr12-57575263-C-T. GRCh37 (hg19) VCF-style: chr12-57969046-C-T.
Other names: c.1629C>T, p.Leu543= (NM_001354705.2).
Identifiers: ClinVar variation 508744 (VCV000508744.8), dbSNP rs1161979577, ClinGen allele CA480265308.

ClinVar aggregate classification (germline): Likely benign. Review status: criteria provided, multiple submitters, no conflicts (2 of 4 stars). 2 submissions from 2 submitters: Likely benign (2). Last evaluated 2025-04-07.

Conditions:
Spastic paraplegia. Identifiers: MedGen C0037772, HP:0001258.

Allele frequency attached by ClinVar (database versions not stated): gnomAD 0.00001; TOPMed 0.00001.
gnomAD v4.1: 3 of 1,613,010 alleles (0.00019%); highest among the groups gnomAD compares: Non-Finnish European, 0.00025%; no homozygotes.

Submissions (2):

Labcorp Genetics (formerly Invitae), Labcorp
Classification: Likely benign for Spastic paraplegia. Last evaluated: 2025-04-07. Review status: criteria provided, single submitter. Criteria: Invitae Variant Classification Sherloc (09022015). Collection method: clinical testing. Allele origin: germline.

GeneDx
Classification: Likely benign. Last evaluated: 2017-04-13. Review status: criteria provided, single submitter. Criteria: GeneDx Variant Classification (06012015). Collection method: clinical testing. Allele origin: germline. Affected: yes.
Comment: This variant is considered likely benign or benign based on one or more of the following criteria: it is a conservative change, it occurs at a poorly conserved position in the protein, it is predicted to be benign by multiple in silico algorithms, and/or has population frequency not consistent with disease.